The following is an entry in ClinVar:

ClinVar aggregate classification (germline): Likely benign. Review status: criteria provided, multiple submitters, no conflicts (2 of 4 stars). 2 submissions from 2 submitters: Likely benign (2). Last evaluated 2025-11-13.

Conditions:
Beckwith-Wiedemann syndrome (BWS). Also called: EMG SYNDROME; Exomphalos macroglossia gigantism syndrome. Identifiers: Orphanet 116, MedGen C0004903, MONDO:0007534, OMIM 130650.
CDKN1C-related disorder. Also called: CDKN1C-related condition.

Submissions (2):

PreventionGenetics, part of Exact Sciences
Classification: Likely benign for CDKN1C-related condition. Last evaluated: 2025-11-13. Review status: criteria provided, single submitter. Criteria: ACMG Guidelines, 2015. Collection method: clinical testing. Allele origin: germline.
Comment: This variant is classified as likely benign based on ACMG/AMP sequence variant interpretation guidelines (Richards et al. 2015 PMID: 25741868, with internal and published modifications).

Labcorp Genetics (formerly Invitae), Labcorp
Classification: Likely benign for Beckwith-Wiedemann syndrome. Last evaluated: 2024-09-13. Review status: criteria provided, single submitter. Criteria: Invitae Variant Classification Sherloc (09022015). Collection method: clinical testing. Allele origin: germline.

NM_001122630.2(CDKN1C):c.450T>C (p.Ala150=)

Gene: CDKN1C (cyclin dependent kinase inhibitor 1C; minus strand). Cytogenetic location: 11p15.4.
Variant type: single nucleotide variant.
Coding change: c.450T>C on transcript NM_001122630.2 (MANE Select); coding-DNA position 450, T replaced by C.
Protein change: p.Ala150=; no amino-acid change (alanine 150 retained).
Molecular consequence: synonymous variant. On other transcripts: intron variant (1).
Genome position (GRCh38, 1-based): chr11:2,885,007, A>G on the plus strand (T>C on the coding strand, the complement: CDKN1C is on the minus strand). VCF-style: chr11-2885007-A-G. GRCh37 (hg19) VCF-style: chr11-2906237-A-G.
Other names: c.483T>C, p.Ala161= (NM_000076.2, NM_001362474.2); c.450T>C, p.Ala150= (NM_001122631.2); c.255+195T>C (NM_001362475.2).
Identifiers: ClinVar variation 1674108 (VCV001674108.9), dbSNP rs898729531, ClinGen allele CA472832930.
Genomic context (GRCh38, chr11:2,885,007, plus strand): 5'-GGCCGGGGCCAGGACCGCGACCGCGACCGGAGCCGCGACCGGAGCCGCGACCGGAGCCGG[A>G]GCCGGGGCCGGGGCTGGAGCCAGGACCGGGACTGGGGGCGGGGTGGACGCCGGGGCCGGG-3'
Protein context (NP_001116102.1, residues 140-160): VPVLAPAPAP[Ala150=]PAPVAAPVAA